The following is an entry in ClinVar:

ClinVar aggregate classification (germline): Uncertain significance (1 of 4 stars; one submission).

Submission:

GeneDx
Classification: Uncertain significance. Last evaluated: 2023-02-23. Review status: criteria provided, single submitter. Criteria: GeneDx Variant Classification Process June 2021. Collection method: clinical testing. Allele origin: germline. Affected: yes.
Comment: Not observed at significant frequency in large population cohorts (gnomAD); In silico analysis supports that this missense variant does not alter protein structure/function; Has not been previously published as pathogenic or benign to our knowledge

NM_001378418.1(TCF20):c.4696A>T (p.Ile1566Leu)

Gene: TCF20 (transcription factor 20; minus strand). Cytogenetic location: 22q13.2.
Variant type: single nucleotide variant.
Coding change: c.4696A>T on transcript NM_001378418.1 (MANE Select); coding-DNA position 4696, A replaced by T.
Protein change: p.Ile1566Leu; replaces isoleucine 1566 with leucine.
Molecular consequence: missense variant.
Genome position (GRCh38, 1-based): chr22:42,210,610, T>A on the plus strand (A>T on the coding strand, the complement: TCF20 is on the minus strand). VCF-style: chr22-42210610-T-A. GRCh37 (hg19) VCF-style: chr22-42606616-T-A.
Other names: c.4696A>T, p.Ile1566Leu (NM_005650.4, NM_181492.3); short protein forms I1566L.
Identifiers: ClinVar variation 2577687 (VCV002577687.1), dbSNP rs2518204993, ClinGen allele CA411783661.